The following is an entry in ClinVar:

ClinVar aggregate classification (germline): Likely benign. Review status: criteria provided, multiple submitters, no conflicts (2 of 4 stars). 2 submissions from 2 submitters: Likely benign (2). Last evaluated 2025-05-27.

Conditions:
Pityriasis rubra pilaris (PRP). Also called: Pityriasis rubra pilaris--familial type. Identifiers: Orphanet 2897, MedGen C0032027, MONDO:0100017, OMIM 173200, MONDO:0008251.
Psoriasis 2. Identifiers: MedGen C1864497, MONDO:0011269, OMIM 602723.

Submissions (2):

Labcorp Genetics (formerly Invitae), Labcorp
Classification: Likely benign for Pityriasis rubra pilaris; Psoriasis 2. Last evaluated: 2025-05-27. Review status: criteria provided, single submitter. Criteria: Invitae Variant Classification Sherloc (09022015). Collection method: clinical testing. Allele origin: germline.

CeGaT Center for Human Genetics Tuebingen
Classification: Likely benign. Last evaluated: 2023-02-01. Review status: criteria provided, single submitter. Criteria: CeGaT Center For Human Genetics Tuebingen Variant Classification Criteria Version 2. Collection method: clinical testing. Allele origin: germline. Affected: yes. Observed: 1 variant allele.
Comment: CARD14: PM2:Supporting, BP4, BP7

NM_001366385.1(CARD14):c.828G>C (p.Ser276=)

Gene: CARD14 (caspase recruitment domain family member 14; plus strand). Cytogenetic location: 17q25.3.
Variant type: single nucleotide variant.
Coding change: c.828G>C on transcript NM_001366385.1 (MANE Select); coding-DNA position 828, G replaced by C.
Protein change: p.Ser276=; no amino-acid change (serine 276 retained).
Molecular consequence: synonymous variant. On other transcripts: non-coding transcript variant (1).
Genome position (GRCh38, 1-based): chr17:80,188,529, G>C. VCF-style: chr17-80188529-G-C. GRCh37 (hg19) VCF-style: chr17-78162328-G-C.
Other names: c.828G>C, p.Ser276= (NM_001257970.1, NM_024110.4); c.117G>C, p.Ser39= (NM_052819.3).
Identifiers: ClinVar variation 2648399 (VCV002648399.27), dbSNP rs150424747, ClinGen allele CA502178674.